The following is an entry in ClinVar:

NM_000540.3(RYR1):c.9028T>G (p.Phe3010Val)

Gene: RYR1 (ryanodine receptor 1; plus strand). Cytogenetic location: 19q13.2.
Variant type: single nucleotide variant.
Coding change: c.9028T>G on transcript NM_000540.3 (MANE Select); coding-DNA position 9028, T replaced by G.
Protein change: p.Phe3010Val; replaces phenylalanine 3010 with valine.
Molecular consequence: missense variant.
Genome position (GRCh38, 1-based): chr19:38,510,687, T>G. VCF-style: chr19-38510687-T-G. GRCh37 (hg19) VCF-style: chr19-39001327-T-G.
Other names: p.Phe3010Val; c.9028T>G, p.Phe3010Val (NM_001042723.2); short protein forms F3010V.
Identifiers: ClinVar variation 2128442 (VCV002128442.7), dbSNP rs1199758037, ClinGen allele CA405683648.
Genomic context (GRCh38, chr19:38,510,687, plus strand): 5'-TTGGACCCTTTATCTCCCCCAACCCGTCTCCAGATCCTGCTCCCTTTGATCAACCAGTAC[T>G]TCACCAACCACTGCCTCTATTTCTTGTCCACTCCGGCTAAAGTGCTGGGCAGCGGTGGCC-3'
Protein context (NP_000531.2, residues 3000-3020): KILLPLINQY[Phe3010Val]TNHCLYFLST

ClinVar aggregate classification (germline): Uncertain significance. Review status: criteria provided, multiple submitters, no conflicts (2 of 4 stars). 4 submissions from 4 submitters: Uncertain significance (4). Last evaluated 2025-08-30.

Conditions:
RYR1-related disorder. Also called: RYR1-related condition; RYR1-related disorders. Identifiers: MedGen CN239331.
Malignant hyperthermia, susceptibility to, 1 (MHS1). Also called: Anesthesia related hyperthermia; Malignant hyperpyrexia; Fulminating hyperpyrexia; Pharmacogenic myopathy; RYR1-Related Malignant Hyperthermia Susceptibility; Malignant hyperthermia suceptibility 1. Identifiers: Orphanet 423, MedGen C2930980, MONDO:0007783, OMIM 145600.

gnomAD v4.1: 1 of 1,614,068 alleles (0.000062%); highest among the groups gnomAD compares: Non-Finnish European, 0.000085%; no homozygotes.

Submissions (4):

Color Diagnostics, LLC DBA Color Health
Classification: Uncertain significance for Malignant hyperthermia, susceptibility to, 1. Last evaluated: 2025-08-30. Review status: criteria provided, single submitter. Criteria: ACMG Guidelines, 2015. Collection method: clinical testing. Allele origin: germline.
Comment: This missense variant replaces phenylalanine with valine at codon 3010 of the RYR1 protein. Computational prediction is inconclusive regarding the impact of this variant on protein structure and function. To our knowledge, functional studies have not been reported for this variant. This variant has not been reported in individuals affected with RYR1-related disorders in the literature. This variant has not been identified in the general population by the Genome Aggregation Database (gnomAD). The available evidence is insufficient to determine the role of this variant in disease conclusively. Therefore, this variant is classified as a Variant of Uncertain Significance.

Mayo Clinic Laboratories, Mayo Clinic
Classification: Uncertain significance. Last evaluated: 2025-06-18. Review status: criteria provided, single submitter. Criteria: ACMG Guidelines, 2015. Collection method: clinical testing. Allele origin: germline. Observed: 1 variant allele.
Comment: PM2_supporting

All of Us Research Program, National Institutes of Health
Classification: Uncertain significance for Malignant hyperthermia, susceptibility to, 1. Last evaluated: 2024-05-09. Review status: criteria provided, single submitter. Criteria: ACMG Guidelines, 2015. Collection method: clinical testing. Allele origin: germline. Inheritance: Autosomal dominant inheritance. Observed: 1 variant allele, 1 heterozygote.
Comment: This study involves interpretation of variants in research participants for the purpose of population health screening. Participant phenotype was not available at the time of variant classification. Additional details can be found in publication PMID: 35346344, PMCID: PMC8962531

Labcorp Genetics (formerly Invitae), Labcorp
Classification: Uncertain significance for RYR1-related disorder. Last evaluated: 2022-08-09. Review status: criteria provided, single submitter. Criteria: Invitae Variant Classification Sherloc (09022015). Collection method: clinical testing. Allele origin: germline.
Comment: Algorithms developed to predict the effect of missense changes on protein structure and function are either unavailable or do not agree on the potential impact of this missense change (SIFT: "Deleterious"; PolyPhen-2: "Benign"; Align-GVGD: "Class C0"). This sequence change replaces phenylalanine, which is neutral and non-polar, with valine, which is neutral and non-polar, at codon 3010 of the RYR1 protein (p.Phe3010Val). This variant is not present in population databases (gnomAD no frequency). This variant has not been reported in the literature in individuals affected with RYR1-related conditions. In summary, the available evidence is currently insufficient to determine the role of this variant in disease. Therefore, it has been classified as a Variant of Uncertain Significance.